The following is an entry in ClinVar:

ClinVar aggregate classification (germline): Uncertain significance. Review status: criteria provided, multiple submitters, no conflicts (2 of 4 stars). 2 submissions from 2 submitters: Uncertain significance (2). Last evaluated 2024-12-04.

Conditions:
Melorheostosis (MEL). Also called: MELORHEOSTOSIS, ISOLATED. Identifiers: Orphanet 2485, MedGen C3149631, MONDO:0007970, OMIM 155950, HP:6000817.
Cardiofaciocutaneous syndrome 3 (CFC3). Also called: MAP2K1-Related Cardiofaciocutaneous Syndrome. Identifiers: Orphanet 1340, MedGen C3809006, MONDO:0014113, OMIM 615279.
RASopathy. Also called: rasopathies; Noonan spectrum disorder. Identifiers: Orphanet 536391, MedGen C5555857, MONDO:0021060.

Allele frequency attached by ClinVar (database versions not stated): gnomAD exomes below 0.00001; gnomAD 0.00001; TOPMed 0.00003.
gnomAD v4.1: 7 of 1,558,056 alleles (0.00045%); highest among the groups gnomAD compares: Admixed American, 0.0039%; no homozygotes.

Submissions (2):

Labcorp Genetics (formerly Invitae), Labcorp
Classification: Uncertain significance for RASopathy. Last evaluated: 2024-12-04. Review status: criteria provided, single submitter. Criteria: Invitae Variant Classification Sherloc (09022015). Collection method: clinical testing. Allele origin: germline.
Comment: This sequence change replaces serine, which is neutral and polar, with threonine, which is neutral and polar, at codon 24 of the MAP2K1 protein (p.Ser24Thr). This variant is not present in population databases (gnomAD no frequency). This variant has not been reported in the literature in individuals affected with MAP2K1-related conditions. ClinVar contains an entry for this variant (Variation ID: 854814). Invitae Evidence Modeling of protein sequence and biophysical properties (such as structural, functional, and spatial information, amino acid conservation, physicochemical variation, residue mobility, and thermodynamic stability) indicates that this missense variant is not expected to disrupt MAP2K1 protein function with a negative predictive value of 95%. In summary, the available evidence is currently insufficient to determine the role of this variant in disease. Therefore, it has been classified as a Variant of Uncertain Significance.

Fulgent Genetics
Classification: Uncertain significance for Melorheostosis; Cardiofaciocutaneous syndrome 3. Last evaluated: 2024-03-07. Review status: criteria provided, single submitter. Criteria: ACMG Guidelines, 2015. Collection method: clinical testing. Allele origin: germline.

NM_002755.4(MAP2K1):c.71G>C (p.Ser24Thr)

Gene: MAP2K1 (mitogen-activated protein kinase kinase 1; plus strand). Cytogenetic location: 15q22.31.
Variant type: single nucleotide variant.
Coding change: c.71G>C on transcript NM_002755.4 (MANE Select); coding-DNA position 71, G replaced by C.
Protein change: p.Ser24Thr; replaces serine 24 with threonine.
Molecular consequence: missense variant.
Genome position (GRCh38, 1-based): chr15:66,387,418, G>C. VCF-style: chr15-66387418-G-C. GRCh37 (hg19) VCF-style: chr15-66679756-G-C.
Other names: short protein forms S24T.
Identifiers: ClinVar variation 854814 (VCV000854814.10), dbSNP rs1290055913, ClinGen allele CA392931719.